The following is an entry in ClinVar:

NM_017514.5(PLXNA3):c.1303G>A (p.Gly435Ser)

Gene: PLXNA3 (plexin A3; plus strand). Cytogenetic location: Xq28.
Variant type: single nucleotide variant.
Coding change: c.1303G>A on transcript NM_017514.5 (MANE Select); coding-DNA position 1303, G replaced by A.
Protein change: p.Gly435Ser; replaces glycine 435 with serine.
Molecular consequence: missense variant.
Genome position (GRCh38, 1-based): chrX:154,462,296, G>A. VCF-style: chrX-154462296-G-A. GRCh37 (hg19) VCF-style: chrX-153690636-G-A.
Other names: short protein forms G435S.
Identifiers: ClinVar variation 3351494 (VCV003351494.2).

ClinVar aggregate classification (germline): Uncertain significance (1 of 4 stars; one submission).

Conditions:
PLXNA3-related disorder. Also called: PLXNA3-related condition.

gnomAD v4.1: 49 of 1,155,307 alleles (0.0042%); highest among the groups gnomAD compares: South Asian, 0.008%; no homozygotes.

Submission:

PreventionGenetics, part of Exact Sciences
Classification: Uncertain significance for PLXNA3-related condition. Last evaluated: 2026-05-05. Review status: criteria provided, single submitter. Criteria: ACMG Guidelines, 2015. Collection method: clinical testing. Allele origin: germline.
Comment: The PLXNA3 c.1303G>A variant is predicted to result in the amino acid substitution p.Gly435Ser. This variant was reported in an individual with autism (Table S11, Stessman et al. 2017. PubMed ID: 28191889). This variant is reported in 0.0069% of alleles in individuals of European (Finnish) descent in gnomAD. At this time, the clinical significance of this variant is uncertain due to the absence of conclusive functional and genetic evidence.